The following is an entry in ClinVar:

NM_014055.4(IFT81):c.1434G>A (p.Met478Ile)

Gene: IFT81 (intraflagellar transport 81; plus strand). Cytogenetic location: 12q24.11.
Variant type: single nucleotide variant.
Coding change: c.1434G>A on transcript NM_014055.4 (MANE Select); coding-DNA position 1434, G replaced by A.
Protein change: p.Met478Ile; replaces methionine 478 with isoleucine.
Molecular consequence: missense variant. On other transcripts: non-coding transcript variant (4).
Genome position (GRCh38, 1-based): chr12:110,191,015, G>A. VCF-style: chr12-110191015-G-A. GRCh37 (hg19) VCF-style: chr12-110628820-G-A.
Other names: c.1434G>A, p.Met478Ile (NM_001143779.2); c.504G>A, p.Met168Ile (NM_001347947.2, NM_001347948.2); short protein forms M168I, M478I.
Identifiers: ClinVar variation 1014264 (VCV001014264.7), dbSNP rs1226564527, ClinGen allele CA386905895.

ClinVar aggregate classification (germline): Uncertain significance (1 of 4 stars; one submission).

Submission:

Labcorp Genetics (formerly Invitae), Labcorp
Classification: Uncertain significance. Last evaluated: 2022-10-04. Review status: criteria provided, single submitter. Criteria: Invitae Variant Classification Sherloc (09022015). Collection method: clinical testing. Allele origin: germline.
Comment: This sequence change replaces methionine, which is neutral and non-polar, with isoleucine, which is neutral and non-polar, at codon 478 of the IFT81 protein (p.Met478Ile). This variant is not present in population databases (gnomAD no frequency). This variant has not been reported in the literature in individuals affected with IFT81-related conditions. ClinVar contains an entry for this variant (Variation ID: 1014264). Advanced modeling of protein sequence and biophysical properties (such as structural, functional, and spatial information, amino acid conservation, physicochemical variation, residue mobility, and thermodynamic stability) performed at Invitae indicates that this missense variant is not expected to disrupt IFT81 protein function. In summary, the available evidence is currently insufficient to determine the role of this variant in disease. Therefore, it has been classified as a Variant of Uncertain Significance.